The following is an entry in ClinVar:

ClinVar aggregate classification (germline): Uncertain significance. Review status: criteria provided, multiple submitters, no conflicts (2 of 4 stars). 2 submissions from 2 submitters: Uncertain significance (2). Last evaluated 2026-01-21.

Conditions:
Epidermolysis bullosa simplex with nail dystrophy (EBS5D). Identifiers: MedGen C4225309, MONDO:0014661, OMIM 616487.
Epidermolysis bullosa simplex 5C, with pyloric atresia (EBS5C). Also called: PLEC-Related Epidermolysis Bullosa with Pyloric Atresia; Epidermolysis bullosa simplex with pyloric atresia; PLEC1-Related Epidermolysis Bullosa with Pyloric Atresia. Identifiers: Orphanet 158684, MedGen C2677349, MONDO:0012807, OMIM 612138.
Autosomal recessive limb-girdle muscular dystrophy type 2Q (LGMDR17). Also called: MUSCULAR DYSTROPHY, LIMB-GIRDLE, AUTOSOMAL RECESSIVE 17. Identifiers: Orphanet 254361, MedGen C3150989, MONDO:0013390, OMIM 613723.
Epidermolysis bullosa simplex 5B, with muscular dystrophy (EBS5B). Also called: EPIDERMOLYSIS BULLOSA SIMPLEX AND LIMB-GIRDLE MUSCULAR DYSTROPHY; Epidermolysis bullosa simplex with muscular dystrophy. Identifiers: Orphanet 257, MedGen C2931072, MONDO:0009181, OMIM 226670.
Epidermolysis bullosa simplex, Ogna type (EBS5A). Also called: Pidermolysis bullosa simplex 5A, Ogna type; EPIDERMOLYSIS BULLOSA SIMPLEX 5A, OGNA TYPE. Identifiers: Orphanet 79401, MedGen C0432317, MONDO:0007555, OMIM 131950.

Allele frequency attached by ClinVar (database versions not stated): 1000 Genomes Project 0.00020; 1000 Genomes Project 30x 0.00031; gnomAD 0.00004 and 0.00005; TOPMed 0.00004; ExAC 0.00006; gnomAD exomes 0.00007.

Submissions (2):

Labcorp Genetics (formerly Invitae), Labcorp
Classification: Uncertain significance for Autosomal recessive limb-girdle muscular dystrophy type 2Q; Epidermolysis bullosa simplex, Ogna type; Epidermolysis bullosa simplex with nail dystrophy; Epidermolysis bullosa simplex 5C, with pyloric atresia; Epidermolysis bullosa simplex 5B, with muscular dystrophy. Last evaluated: 2026-01-21. Review status: criteria provided, single submitter. Criteria: Invitae Variant Classification Sherloc (09022015). Collection method: clinical testing. Allele origin: germline.
Comment: This sequence change replaces alanine, which is neutral and non-polar, with threonine, which is neutral and polar, at codon 3385 of the PLEC protein (p.Ala3385Thr). This variant is present in population databases (rs533543775, gnomAD 0.05%). This variant has not been reported in the literature in individuals affected with PLEC-related conditions. ClinVar contains an entry for this variant (Variation ID: 283638). An algorithm developed to predict the effect of missense changes on protein structure and function (PolyPhen-2) suggests that this variant is likely to be disruptive. In summary, the available evidence is currently insufficient to determine the role of this variant in disease. Therefore, it has been classified as a Variant of Uncertain Significance.

Eurofins Ntd Llc (ga)
Classification: Uncertain significance. Last evaluated: 2015-10-02. Review status: criteria provided, single submitter. Criteria: EGL Classification Definitions 2015. Collection method: clinical testing. Allele origin: germline. Observed: 1 variant allele, 1 heterozygote.

NM_201384.3(PLEC):c.10072G>A (p.Ala3358Thr)

Gene: PLEC (plectin; minus strand). Cytogenetic location: 8q24.3.
Variant type: single nucleotide variant.
Coding change: c.10072G>A on transcript NM_201384.3 (MANE Select); coding-DNA position 10072, G replaced by A.
Protein change: p.Ala3358Thr; replaces alanine 3358 with threonine.
Molecular consequence: missense variant.
Genome position (GRCh38, 1-based): chr8:143,919,749, C>T on the plus strand (G>A on the coding strand, the complement: PLEC is on the minus strand). VCF-style: chr8-143919749-C-T. GRCh37 (hg19) VCF-style: chr8-144993917-C-T.
Other names: c.10153G>A, p.Ala3385Thr (NM_000445.5); c.10030G>A, p.Ala3344Thr (NM_201378.4); c.10006G>A, p.Ala3336Thr (NM_201379.3); c.10483G>A, p.Ala3495Thr (NM_201380.4); c.9976G>A, p.Ala3326Thr (NM_201381.3); c.10072G>A, p.Ala3358Thr (NM_201382.4); c.10084G>A, p.Ala3362Thr (NM_201383.3); short protein forms A3326T, A3336T, A3362T, A3495T, A3344T, A3358T, A3385T.
Identifiers: ClinVar variation 283638 (VCV000283638.14), dbSNP rs533543775, ClinGen allele CA4924766.